The following is an entry in ClinVar:

ClinVar aggregate classification (germline): Uncertain significance (1 of 4 stars; one submission).

Conditions:
Charcot-Marie-Tooth disease axonal type 2V. Also called: CHARCOT-MARIE-TOOTH NEUROPATHY, TYPE 2V; CHARCOT-MARIE-TOOTH DISEASE, AXONAL, AUTOSOMAL DOMINANT, TYPE 2V. Identifiers: Orphanet 447964, MedGen C5569050, MONDO:0014665, OMIM 616491.
Mucopolysaccharidosis, MPS-III-B (MPS3B). Also called: N-ACETYL-ALPHA-D-GLUCOSAMINIDASE DEFICIENCY; NAGLU DEFICIENCY; SANFILIPPO SYNDROME B; MPS III B; MUCOPOLYSACCHARIDOSIS, TYPE IIIB; MPS IIIB (Sanfilippo Syndrome Type B). Identifiers: Orphanet 79270, MedGen C0086648, MONDO:0009656, OMIM 252920.

gnomAD v4.1: 1 of 1,607,574 alleles (0.000062%); highest among the groups gnomAD compares: Admixed American, 0.0017%; no homozygotes.

Submission:

Labcorp Genetics (formerly Invitae), Labcorp
Classification: Uncertain significance for Charcot-Marie-Tooth disease axonal type 2V; Mucopolysaccharidosis, MPS-III-B. Last evaluated: 2022-07-11. Review status: criteria provided, single submitter. Criteria: Invitae Variant Classification Sherloc (09022015). Collection method: clinical testing. Allele origin: germline.
Comment: In summary, the available evidence is currently insufficient to determine the role of this variant in disease. Therefore, it has been classified as a Variant of Uncertain Significance. Advanced modeling of protein sequence and biophysical properties (such as structural, functional, and spatial information, amino acid conservation, physicochemical variation, residue mobility, and thermodynamic stability) performed at Invitae indicates that this missense variant is not expected to disrupt NAGLU protein function. This variant has not been reported in the literature in individuals affected with NAGLU-related conditions. This variant is present in population databases (no rsID available, gnomAD 0.003%). This sequence change replaces alanine, which is neutral and non-polar, with serine, which is neutral and polar, at codon 508 of the NAGLU protein (p.Ala508Ser).

NM_000263.4(NAGLU):c.1522G>T (p.Ala508Ser)

Gene: NAGLU (N-acetyl-alpha-glucosaminidase; plus strand). Cytogenetic location: 17q21.2.
Variant type: single nucleotide variant.
Coding change: c.1522G>T on transcript NM_000263.4 (MANE Select); coding-DNA position 1522, G replaced by T.
Protein change: p.Ala508Ser; replaces alanine 508 with serine.
Molecular consequence: missense variant.
Genome position (GRCh38, 1-based): chr17:42,543,528, G>T. VCF-style: chr17-42543528-G-T. GRCh37 (hg19) VCF-style: chr17-40695546-G-T.
Other names: short protein forms A508S.
Identifiers: ClinVar variation 2097366 (VCV002097366.4), dbSNP rs1187121246, ClinGen allele CA399604097.